The following is an entry in ClinVar:

ClinVar aggregate classification (germline): Uncertain significance (1 of 4 stars; one submission).

Submission:

GeneDx
Classification: Uncertain significance. Last evaluated: 2025-02-26. Review status: criteria provided, single submitter. Criteria: GeneDx Variant Classification Process June 2021. Collection method: clinical testing. Allele origin: germline. Affected: yes.
Comment: Not observed at significant frequency in large population cohorts (gnomAD); In silico analysis supports that this missense variant has a deleterious effect on protein structure/function; Has not been previously published as pathogenic or benign to our knowledge

NM_004859.4(CLTC):c.3719C>T (p.Ala1240Val)

Gene: CLTC (clathrin heavy chain; plus strand). Cytogenetic location: 17q23.1.
Variant type: single nucleotide variant.
Coding change: c.3719C>T on transcript NM_004859.4 (MANE Select); coding-DNA position 3719, C replaced by T.
Protein change: p.Ala1240Val; replaces alanine 1240 with valine.
Molecular consequence: missense variant.
Genome position (GRCh38, 1-based): chr17:59,682,747, C>T. VCF-style: chr17-59682747-C-T. GRCh37 (hg19) VCF-style: chr17-57760108-C-T.
Other names: c.3731C>T, p.Ala1244Val (NM_001288653.2); short protein forms A1240V, A1244V.
Identifiers: ClinVar variation 4077304 (VCV004077304.1).